The following is an entry in ClinVar:

NM_000065.5(C6):c.538T>G (p.Cys180Gly)

Gene: C6 (complement C6; minus strand). Cytogenetic location: 5p13.1.
Variant type: single nucleotide variant.
Coding change: c.538T>G on transcript NM_000065.5 (MANE Select); coding-DNA position 538, T replaced by G.
Protein change: p.Cys180Gly; replaces cysteine 180 with glycine.
Molecular consequence: missense variant.
Genome position (GRCh38, 1-based): chr5:41,195,841, A>C on the plus strand (T>G on the coding strand, the complement: C6 is on the minus strand). VCF-style: chr5-41195841-A-C. GRCh37 (hg19) VCF-style: chr5-41195943-A-C.
Other names: c.538T>G, p.Cys180Gly (NM_001115131.4); short protein forms C180G.
Identifiers: ClinVar variation 1486442 (VCV001486442.3), dbSNP rs759193640, ClinGen allele CA359603828.
Genomic context (GRCh38, chr5:41,195,841, plus strand): 5'-ATGTTACATACCCATTGCCCATCAACTGTACACTAGGGATGGGATTATACTTCCGTGTGC[A>C]TACTGCCTTTGTCCTCCCACAGTCCCTTTCATCTGAATTGTCTCCACAGTCATTTTCTCC-3'
Protein context (NP_000056.2, residues 170-190): ERDCGRTKAV[Cys180Gly]TRKYNPIPSV

ClinVar aggregate classification (germline): Uncertain significance (1 of 4 stars; one submission).

Allele frequency attached by ClinVar (database versions not stated): TOPMed 0.00001.
gnomAD v4.1: 6 of 1,613,860 alleles (0.00037%); highest among the groups gnomAD compares: South Asian, 0.0011%; no homozygotes.

Submission:

Labcorp Genetics (formerly Invitae), Labcorp
Classification: Uncertain significance. Last evaluated: 2022-06-03. Review status: criteria provided, single submitter. Criteria: Invitae Variant Classification Sherloc (09022015). Collection method: clinical testing. Allele origin: germline.
Comment: This sequence change replaces cysteine, which is neutral and slightly polar, with glycine, which is neutral and non-polar, at codon 180 of the C6 protein (p.Cys180Gly). This variant is present in population databases (no rsID available, gnomAD 0.007%). This variant has not been reported in the literature in individuals affected with C6-related conditions. ClinVar contains an entry for this variant (Variation ID: 1486442). Algorithms developed to predict the effect of missense changes on protein structure and function are either unavailable or do not agree on the potential impact of this missense change (SIFT: "Deleterious"; PolyPhen-2: "Probably Damaging"; Align-GVGD: "Class C0"). Algorithms developed to predict the effect of sequence changes on RNA splicing suggest that this variant may disrupt the consensus splice site. In summary, the available evidence is currently insufficient to determine the role of this variant in disease. Therefore, it has been classified as a Variant of Uncertain Significance.